The following is an entry in ClinVar:

NM_001374259.2(IL12RB2):c.1391G>C (p.Gly464Ala)

Gene: IL12RB2 (interleukin 12 receptor subunit beta 2; plus strand). Cytogenetic location: 1p31.3.
Variant type: single nucleotide variant.
Coding change: c.1391G>C on transcript NM_001374259.2 (MANE Select); coding-DNA position 1391, G replaced by C.
Protein change: p.Gly464Ala; replaces glycine 464 with alanine.
Molecular consequence: missense variant. On other transcripts: non-coding transcript variant (2).
Genome position (GRCh38, 1-based): chr1:67,367,957, G>C. VCF-style: chr1-67367957-G-C. GRCh37 (hg19) VCF-style: chr1-67833640-G-C.
Other names: c.1391G>C, p.Gly464Ala (NM_001258214.1, NM_001258215.1, NM_001258216.1 and 2 more transcripts); c.1391G>C (NM_001559.2); short protein forms G464A.
Identifiers: ClinVar variation 1501285 (VCV001501285.7), dbSNP rs750199210, ClinGen allele CA900477.

ClinVar aggregate classification (germline): Uncertain significance. Review status: criteria provided, multiple submitters, no conflicts (2 of 4 stars). 2 submissions from 2 submitters: Uncertain significance (2). Last evaluated 2025-05-06.

Allele frequency attached by ClinVar (database versions not stated): ExAC 0.00004; TOPMed 0.00004; gnomAD 0.00005 and 0.00006; gnomAD exomes 0.00005.

Submissions (2):

Labcorp Genetics (formerly Invitae), Labcorp
Classification: Uncertain significance. Last evaluated: 2025-05-06. Review status: criteria provided, single submitter. Criteria: Invitae Variant Classification Sherloc (09022015). Collection method: clinical testing. Allele origin: germline.
Comment: This sequence change replaces glycine, which is neutral and non-polar, with alanine, which is neutral and non-polar, at codon 464 of the IL12RB2 protein (p.Gly464Ala). This variant is present in population databases (rs750199210, gnomAD 0.03%). This variant has not been reported in the literature in individuals affected with IL12RB2-related conditions. ClinVar contains an entry for this variant (Variation ID: 1501285). An algorithm developed to predict the effect of missense changes on protein structure and function outputs the following: PolyPhen-2: "Benign". The alanine amino acid residue is found in multiple mammalian species, which suggests that this missense change does not adversely affect protein function. In summary, the available evidence is currently insufficient to determine the role of this variant in disease. Therefore, it has been classified as a Variant of Uncertain Significance.

Ambry Genetics
Classification: Uncertain significance. Last evaluated: 2023-10-25. Review status: criteria provided, single submitter. Criteria: Ambry Variant Classification Scheme 2023. Collection method: clinical testing. Allele origin: germline.